The following is an entry in ClinVar:

NM_001204.7(BMPR2):c.570G>T (p.Glu190Asp)

Gene: BMPR2 (bone morphogenetic protein receptor type 2; plus strand). Cytogenetic location: 2q33.2.
Variant type: single nucleotide variant.
Coding change: c.570G>T on transcript NM_001204.7 (MANE Select); coding-DNA position 570, G replaced by T.
Protein change: p.Glu190Asp; replaces glutamic acid 190 with aspartic acid.
Molecular consequence: missense variant.
Genome position (GRCh38, 1-based): chr2:202,514,928, G>T. VCF-style: chr2-202514928-G-T. GRCh37 (hg19) VCF-style: chr2-203379651-G-T.
Other names: short protein forms E190D.
Identifiers: ClinVar variation 5033115 (VCV005033115.1).

ClinVar aggregate classification (germline): Uncertain significance (1 of 4 stars; one submission).

Conditions:
Inborn genetic diseases. Identifiers: MedGen C0950123, MeSH D030342.

Submission:

Ambry Genetics
Classification: Uncertain significance for Inborn genetic diseases. Last evaluated: 2026-08-14. Review status: criteria provided, single submitter. Criteria: Ambry Variant Classification Scheme 2023. Collection method: clinical testing. Allele origin: germline.
Comment: The p.E190D variant (also known as c.570G>T), located in coding exon 5 of the BMPR2 gene, results from a G to T substitution at nucleotide position 570. The glutamic acid at codon 190 is replaced by aspartic acid, an amino acid with highly similar properties. This amino acid position is conserved. In addition, the in silico prediction for this alteration is inconclusive. Based on the available evidence, the clinical significance of this variant remains unclear.